The following is an entry in ClinVar:

ClinVar aggregate classification (germline): Uncertain significance (1 of 4 stars; one submission).

gnomAD v4.1: 1 of 1,418,094 alleles (0.000071%); highest among the groups gnomAD compares: Non-Finnish European, 0.000092%; no homozygotes.

Submission:

CeGaT Center for Human Genetics Tuebingen
Classification: Uncertain significance. Last evaluated: 2026-08-01. Review status: criteria provided, single submitter. Criteria: CeGaT Center For Human Genetics Tuebingen Variant Classification Criteria Version 2. Collection method: clinical testing. Allele origin: germline. Affected: yes. Observed: 1 variant allele.
Comment: AFG3L2: PM2, PP3

NM_006796.3(AFG3L2):c.5C>G (p.Ala2Gly)

Gene: AFG3L2 (AFG3 like matrix AAA peptidase subunit 2; minus strand). Cytogenetic location: 18p11.21.
Variant type: single nucleotide variant.
Coding change: c.5C>G on transcript NM_006796.3 (MANE Select); coding-DNA position 5, C replaced by G.
Protein change: p.Ala2Gly; replaces alanine 2 with glycine.
Molecular consequence: missense variant.
Genome position (GRCh38, 1-based): chr18:12,377,078, G>C on the plus strand (C>G on the coding strand, the complement: AFG3L2 is on the minus strand). VCF-style: chr18-12377078-G-C. GRCh37 (hg19) VCF-style: chr18-12377077-G-C.
Other names: short protein forms A2G.
Identifiers: ClinVar variation 5040363 (VCV005040363.1).